The following is an entry in ClinVar:

ClinVar aggregate classification (germline): Uncertain significance. Review status: criteria provided, multiple submitters, no conflicts (2 of 4 stars). 5 submissions from 5 submitters: Uncertain significance (4). 1 of the submissions does not count toward it. Last evaluated 2026-04-02.

Conditions:
Bardet-Biedl syndrome (BBS). Identifiers: Orphanet 110, MedGen C0752166, MONDO:0015229.
Bardet-Biedl syndrome 9 (BBS9). Identifiers: Orphanet 110, MedGen C1859567, MONDO:0014437, OMIM 615986.
BBS9-related disorder. Also called: BBS9-related condition.
Inborn genetic diseases. Identifiers: MedGen C0950123, MeSH D030342.

Allele frequency attached by ClinVar (database versions not stated): TOPMed below 0.00001; ExAC 0.00001; gnomAD 0.00001; gnomAD exomes 0.00001 and 0.00006.
gnomAD v4.1: 88 of 1,610,666 alleles (0.0055%); highest among the groups gnomAD compares: Non-Finnish European, 0.0074%; no homozygotes.

Submissions (5):

PreventionGenetics, part of Exact Sciences
Classification: Uncertain significance for BBS9-related condition. Last evaluated: 2026-04-02. Review status: criteria provided, single submitter. Criteria: ACMG Guidelines, 2015. Collection method: clinical testing. Allele origin: germline.
Comment: The BBS9 c.1352T>C variant is predicted to result in the amino acid substitution p.Ile451Thr. To our knowledge, this variant has not been reported in the literature. This variant is reported in 0.0026% of alleles in individuals of European (Non-Finnish) descent in gnomAD. At this time, the clinical significance of this variant is uncertain due to the absence of conclusive functional and genetic evidence.

Labcorp Genetics (formerly Invitae), Labcorp
Classification: Uncertain significance for Bardet-Biedl syndrome. Last evaluated: 2023-11-27. Review status: criteria provided, single submitter. Criteria: Invitae Variant Classification Sherloc (09022015). Collection method: clinical testing. Allele origin: germline.
Comment: This sequence change replaces isoleucine, which is neutral and non-polar, with threonine, which is neutral and polar, at codon 451 of the BBS9 protein (p.Ile451Thr). This variant is present in population databases (rs773192233, gnomAD 0.003%). This variant has not been reported in the literature in individuals affected with BBS9-related conditions. ClinVar contains an entry for this variant (Variation ID: 1049097). Advanced modeling of protein sequence and biophysical properties (such as structural, functional, and spatial information, amino acid conservation, physicochemical variation, residue mobility, and thermodynamic stability) performed at Invitae indicates that this missense variant is not expected to disrupt BBS9 protein function with a negative predictive value of 80%. In summary, the available evidence is currently insufficient to determine the role of this variant in disease. Therefore, it has been classified as a Variant of Uncertain Significance.

Ambry Genetics
Classification: Uncertain significance for Inborn genetic diseases. Last evaluated: 2023-05-16. Review status: criteria provided, single submitter. Criteria: Ambry Variant Classification Scheme 2023. Collection method: clinical testing. Allele origin: germline.

Fulgent Genetics
Classification: Uncertain significance for Bardet-Biedl syndrome 9. Last evaluated: 2022-05-17. Review status: criteria provided, single submitter. Criteria: ACMG Guidelines, 2015. Collection method: clinical testing. Allele origin: unknown.

Department of Pathology and Laboratory Medicine, Sinai Health System
Classification: Uncertain significance. Review status: no assertion criteria provided. Collection method: clinical testing. Allele origin: unknown. Affected: yes. Study: The Canadian Open Genetics Repository (COGR). Not counted in ClinVar's aggregate classification.
Comment: The BBS9 p.Ile360Thr variant was not identified in the literature nor was it identified in ClinVar, Cosmic or LOVD 3.0. The variant was identified in dbSNP (ID: rs773192233) and in control databases in 3 of 251260 chromosomes at a frequency of 0.000012 (Genome Aggregation Database Feb 27, 2017). The variant was observed in the following population: European (non-Finnish) in 3 of 113612 chromosomes (freq: 0.000026); it was not observed in the African, Latino, Ashkenazi Jewish, East Asian, European (Finnish), Other or South Asian populations. The variant occurs outside of the splicing consensus sequence and in silico or computational prediction software programs (SpliceSiteFinder, MaxEntScan, NNSPLICE, GeneSplicer) do not predict a difference in splicing. The p.Ile360 residue is not conserved in mammals and computational analyses (SIFT, AlignGVGD, BLOSUM, PolyPhen-2, MutationTaster) provide inconsistent predictions regarding the impact to the protein; this information is not very predictive of pathogenicity. In summary, based on the above information the clinical significance of this variant cannot be determined with certainty at this time. This variant is classified as a variant of uncertain significance.

NM_198428.3(BBS9):c.1352T>C (p.Ile451Thr)

Gene: BBS9 (Bardet-Biedl syndrome 9; plus strand). Cytogenetic location: 7p14.3.
Variant type: single nucleotide variant.
Coding change: c.1352T>C on transcript NM_198428.3 (MANE Select); coding-DNA position 1352, T replaced by C.
Protein change: p.Ile451Thr; replaces isoleucine 451 with threonine.
Molecular consequence: missense variant. On other transcripts: non-coding transcript variant (3).
Genome position (GRCh38, 1-based): chr7:33,349,090, T>C. VCF-style: chr7-33349090-T-C. GRCh37 (hg19) VCF-style: chr7-33388702-T-C.
Other names: c.1352T>C, p.Ile451Thr (NM_001033604.2, NM_001033605.2, NM_001348036.1 and 5 more transcripts); c.986T>C, p.Ile329Thr (NM_001348037.3, NM_001348044.3, NM_001348045.3 and 1 more transcripts); c.1079T>C, p.Ile360Thr (NM_001348038.3, NM_001348039.3); c.1217T>C, p.Ile406Thr (NM_001348042.3); c.1352T>C (NM_198428.2); short protein forms I329T, I360T, I406T, I451T.
Identifiers: ClinVar variation 1049097 (VCV001049097.7), dbSNP rs773192233, ClinGen allele CA4214287.